The following is an entry in ClinVar:

NM_001374828.1(ARID1B):c.1628del (p.Ala543fs)

Gene: ARID1B (AT-rich interaction domain 1B; plus strand). Cytogenetic location: 6q25.3.
Variant type: Deletion.
Coding change: c.1628del on transcript NM_001374828.1 (MANE Select); coding-DNA position 1628, one base deleted (C; older notation c.1628delC).
Protein change: p.Ala543fs; shifts the reading frame from alanine 543.
Molecular consequence: frameshift variant.
Genome position (GRCh38, 1-based): chr6:156,779,308, C deleted. VCF-style (leftmost placement, unchanged base first): chr6-156779307-GC-G. GRCh37 (hg19) VCF-style: chr6-157100441-GC-G.
Other names: c.1379delC, p.Ala460Glyfs (NM_001346813.1, NM_020732.3); c.1628del, p.Ala543fs (NM_001371656.1, NM_001374820.1, NM_017519.3); c.1205delC, p.Ala402Glyfs (NM_175863.2); short protein forms A543fs.
Identifiers: ClinVar variation 1879674 (VCV001879674.29), dbSNP rs2546844151, ClinGen allele CA2580075277.

ClinVar aggregate classification (germline): Pathogenic (1 of 4 stars; one submission).

Allele frequency attached by ClinVar (database versions not stated): gnomAD exomes 0.00001.

Submission:

CeGaT Center for Human Genetics Tuebingen
Classification: Pathogenic. Last evaluated: 2022-10-01. Review status: criteria provided, single submitter. Criteria: CeGaT Center For Human Genetics Tuebingen Variant Classification Criteria Version 2. Collection method: clinical testing. Allele origin: germline. Affected: yes. Observed: 1 variant allele.
Comment: ARID1B: PVS1, PS2, PM2